The following is an entry in ClinVar:

ClinVar aggregate classification (germline): Likely benign. Review status: criteria provided, multiple submitters, no conflicts (2 of 4 stars). 2 submissions from 2 submitters: Likely benign (2). Last evaluated 2024-07-08.

Conditions:
Pitt-Hopkins-like syndrome 2 (PTHSL2). Identifiers: Orphanet 221150, Orphanet 600663, MedGen C3280479, MONDO:0013690, OMIM 614325.

Submissions (2):

Labcorp Genetics (formerly Invitae), Labcorp
Classification: Likely benign for Pitt-Hopkins-like syndrome 2. Last evaluated: 2024-07-08. Review status: criteria provided, single submitter. Criteria: Invitae Variant Classification Sherloc (09022015). Collection method: clinical testing. Allele origin: germline.

GeneDx
Classification: Likely benign. Last evaluated: 2017-10-27. Review status: criteria provided, single submitter. Criteria: GeneDx Variant Classification (06012015). Collection method: clinical testing. Allele origin: germline. Affected: yes.
Comment: This variant is considered likely benign or benign based on one or more of the following criteria: it is a conservative change, it occurs at a poorly conserved position in the protein, it is predicted to be benign by multiple in silico algorithms, and/or has population frequency not consistent with disease.

NM_001330078.2(NRXN1):c.3808+8dup

Gene: NRXN1 (neurexin 1; minus strand). Cytogenetic location: 2p16.3.
Variant type: Duplication.
Coding change: c.3808+8dup on transcript NM_001330078.2 (MANE Select); 8 bases into the intron after coding-DNA position 3808, one base duplicated (A; older notation c.3808+8dupA).
Molecular consequence: intron variant.
Genome position (GRCh38, 1-based): chr2:50,054,947, T duplicated on the plus strand (A on the coding strand, the reverse complement: NRXN1 is on the minus strand); the first of 6 consecutive T bases (chr2:50,054,947-50,054,952); duplicating any one gives the same sequence. VCF-style (leftmost placement, unchanged base first): chr2-50054946-G-GT. GRCh37 (hg19) VCF-style: chr2-50282084-G-GT.
Other names: c.3928+8dupA (NM_001135659.1); c.3608-1357dup (NM_001330096.2, NM_001330087.2); c.3653-1357dup (NM_001330083.2); c.3742+8dup (NM_001330084.2); c.3638-1357dup (NM_001330088.2); c.3805+8dup (NM_001330093.2); c.3796+8dup (NM_001330094.2); c.3668-1357dup (NM_001330095.2); and 7 more.
Identifiers: ClinVar variation 513141 (VCV000513141.11), dbSNP rs770051379, ClinGen allele CA1654362.